The following is an entry in ClinVar:

ClinVar aggregate classification (germline): Likely benign (1 of 4 stars; one submission).

Allele frequency attached by ClinVar (database versions not stated): 1000 Genomes Project 0.01577; 1000 Genomes Project 30x 0.01608; TOPMed 0.02095; gnomAD 0.02260 and 0.02295.
gnomAD v4.1: 3,433 of 152,136 alleles (2.3%); highest among the groups gnomAD compares: Non-Finnish European, 3.4%; 61 homozygotes.

Submission:

GeneDx
Classification: Likely benign. Last evaluated: 2018-06-14. Review status: criteria provided, single submitter. Criteria: GeneDx Variant Classification (06012015). Collection method: clinical testing. Allele origin: germline. Affected: yes.
Comment: This variant is considered likely benign or benign based on one or more of the following criteria: it is a conservative change, it occurs at a poorly conserved position in the protein, it is predicted to be benign by multiple in silico algorithms, and/or has population frequency not consistent with disease.

NM_001371727.1(GABRB2):c.238-321G>A

Gene: GABRB2 (gamma-aminobutyric acid type A receptor subunit beta2; minus strand). Cytogenetic location: 5q34.
Variant type: single nucleotide variant.
Coding change: c.238-321G>A on transcript NM_001371727.1 (MANE Select); 321 bases into the intron before coding-DNA position 238, G replaced by A.
Molecular consequence: intron variant.
Genome position (GRCh38, 1-based): chr5:161,460,165, C>T on the plus strand (G>A on the coding strand, the complement: GABRB2 is on the minus strand). VCF-style: chr5-161460165-C-T. GRCh37 (hg19) VCF-style: chr5-160887171-C-T.
Other names: c.238-321G>A (NM_000813.3, NM_021911.3).
Identifiers: ClinVar variation 669792 (VCV000669792.1), dbSNP rs7713542, ClinGen allele CA131034234.